The following is an entry in ClinVar:

NM_002230.4(JUP):c.945C>T (p.Leu315=)

Gene: JUP (junction plakoglobin; minus strand). Cytogenetic location: 17q21.2.
Variant type: single nucleotide variant.
Coding change: c.945C>T on transcript NM_002230.4 (MANE Select); coding-DNA position 945, C replaced by T.
Protein change: p.Leu315=; no amino-acid change (leucine 315 retained).
Molecular consequence: synonymous variant.
Genome position (GRCh38, 1-based): chr17:41,765,032, G>A on the plus strand (C>T on the coding strand, the complement: JUP is on the minus strand). VCF-style: chr17-41765032-G-A. GRCh37 (hg19) VCF-style: chr17-39921284-G-A.
Other names: c.945C>T, p.Leu315= (NM_001352773.2, NM_001352774.2, NM_001352775.2 and 3 more transcripts).
Identifiers: ClinVar variation 163721 (VCV000163721.17), dbSNP rs146804895, ClinGen allele CA176394.

ClinVar aggregate classification (germline): Benign/Likely benign. Review status: criteria provided, multiple submitters, no conflicts (2 of 4 stars). 5 submissions from 5 submitters: Benign (1); Likely benign (4). Last evaluated 2025-11-26.

Conditions:
Cardiovascular phenotype. Identifiers: MedGen CN230736.
Arrhythmogenic right ventricular dysplasia 12. Also called: ARRHYTHMOGENIC RIGHT VENTRICULAR DYSPLASIA, FAMILIAL, 12. Identifiers: MedGen C1969081, MONDO:0012684, OMIM 611528.
Naxos disease (NXD). Also called: KERATOSIS PALMOPLANTARIS WITH ARRHYTHMOGENIC CARDIOMYOPATHY; MAL DE NAXOS; PALMOPLANTAR KERATODERMA WITH ARRHYTHMOGENIC RIGHT VENTRICULAR CARDIOMYOPATHY AND WOOLLY HAIR; WOOLLY HAIR, PALMOPLANTAR KERATODERMA, AND CARDIAC ABNORMALITIES; CARDIOMYOPATHY, ARRHYTHMOGENIC RIGHT VENTRICULAR, WITH SKIN, HAIR, AND NAIL ABNORMALITIES. Identifiers: Orphanet 34217, MedGen C1832600, MONDO:0011017, OMIM 601214.

Allele frequency attached by ClinVar (database versions not stated): ESP Exome Variant Server 0.00023; gnomAD 0.00004 and 0.00005; TOPMed 0.00005; gnomAD exomes 0.00006; ExAC 0.00009.
gnomAD v4.1: 65 of 1,613,962 alleles (0.004%); highest among the groups gnomAD compares: South Asian, 0.02%; no homozygotes.

Submissions (5):

Labcorp Genetics (formerly Invitae), Labcorp
Classification: Likely benign for Arrhythmogenic right ventricular dysplasia 12; Naxos disease. Last evaluated: 2025-11-26. Review status: criteria provided, single submitter. Criteria: Invitae Variant Classification Sherloc (09022015). Collection method: clinical testing. Allele origin: germline.

Ambry Genetics
Classification: Likely benign for Cardiovascular phenotype. Last evaluated: 2022-09-28. Review status: criteria provided, single submitter. Criteria: Ambry Variant Classification Scheme 2023. Collection method: clinical testing. Allele origin: germline.

Women's Health and Genetics/Laboratory Corporation of America, LabCorp
Classification: Benign. Last evaluated: 2021-05-10. Review status: criteria provided, single submitter. Criteria: LabCorp Variant Classification Summary - May 2015. Collection method: clinical testing. Allele origin: germline.

GeneDx
Classification: Likely benign. Last evaluated: 2019-02-04. Review status: criteria provided, single submitter. Criteria: GeneDx Variant Classification Process June 2021. Collection method: clinical testing. Allele origin: germline. Affected: yes.

Laboratory for Molecular Medicine, Mass General Brigham Personalized Medicine
Classification: Likely benign. Last evaluated: 2012-03-19. Review status: criteria provided, single submitter. Criteria: LMM Criteria. Collection method: clinical testing. Allele origin: germline. Observed: 1 variant allele.
Comment: Leu315Leu in exon 6 of JUP: This variant is not expected to have clinical signif icance because it does not alter an amino acid residue and is not located within the splice consensus sequence. It has been identified in 0.1% (2/3738) of Afric an American chromosomes from a broad population by the NHLBI Exome Sequencing Pr oject (dbSNP rs146804895).